The following is an entry in ClinVar:

ClinVar aggregate classification (germline): Uncertain significance (1 of 4 stars; one submission).

Conditions:
Brugada syndrome. Also called: Sudden unexpected nocturnal death syndrome; Sudden Unexplained Death Syndrome; Sudden Unexplained Nocturnal Death Syndrome (SUNDS); Sudden unexplained nocturnal death syndrome. Identifiers: Orphanet 130, MedGen C1142166, MONDO:0015263.

Submission:

Labcorp Genetics (formerly Invitae), Labcorp
Classification: Uncertain significance for Brugada syndrome. Last evaluated: 2025-01-23. Review status: criteria provided, single submitter. Criteria: Invitae Variant Classification Sherloc (09022015). Collection method: clinical testing. Allele origin: germline.
Comment: This variant, c.1645_1647del, results in the deletion of 1 amino acid(s) of the SLMAP protein (p.Lys549del), but otherwise preserves the integrity of the reading frame. This variant is not present in population databases (gnomAD no frequency). This variant has not been reported in the literature in individuals affected with SLMAP-related conditions. ClinVar contains an entry for this variant (Variation ID: 2771932). Experimental studies and prediction algorithms are not available or were not evaluated, and the functional significance of this variant is currently unknown. In summary, the available evidence is currently insufficient to determine the role of this variant in disease. Therefore, it has been classified as a Variant of Uncertain Significance.

NM_001377540.1(SLMAP):c.1747_1749del (p.Lys583del)

Gene: SLMAP (sarcolemma associated protein; plus strand). Cytogenetic location: 3p14.3.
Variant type: Deletion.
Coding change: c.1747_1749del on transcript NM_001377540.1 (MANE Select); coding-DNA positions 1747 to 1749, 3 bases deleted (AAG; older notation c.1747_1749delAAG).
Protein change: p.Lys583del; deletes lysine 583.
Molecular consequence: inframe deletion. On other transcripts: non-coding transcript variant (1).
Genome position (GRCh38, 1-based): chr3:57,912,428-57,912,430, AAG deleted; deleting any 3 consecutive bases within chr3:57,912,426-57,912,430 gives the same sequence; the c. name uses the placement nearest the transcript's 3' end. VCF-style (leftmost placement, unchanged base first): chr3-57912425-GAGA-G. GRCh37 (hg19) VCF-style: chr3-57898152-GAGA-G.
Other names: c.1696_1698del, p.Lys566del (NM_001304420.3, NM_001377541.1, NM_001377542.1); c.1582_1584del, p.Lys528del (NM_001304421.2, NM_001377557.1, NM_001377559.1); c.298_300del, p.Lys100del (NM_001304422.3, NM_001311178.2); c.100_102del, p.Lys34del (NM_001304423.3); c.175_177del, p.Lys59del (NM_001311179.2, NM_001377926.1, NM_001377927.1 and 1 more transcripts); c.1768_1770del, p.Lys590del (NM_001377538.1); c.1747_1749del, p.Lys583del (NM_001377539.1); c.1684_1686del, p.Lys562del (NM_001377545.1); and 8 more; short protein forms K521del, K542del, K34del, K508del, K528del, K545del, K562del, K583del.
Identifiers: ClinVar variation 2771932 (VCV002771932.3), dbSNP rs2475837101, ClinGen allele CA2577803552.